The following is an entry in ClinVar:

NM_004656.4(BAP1):c.736C>T (p.His246Tyr)

Gene: BAP1 (BRCA1 associated deubiquitinase 1; minus strand). Cytogenetic location: 3p21.1.
Variant type: single nucleotide variant.
Coding change: c.736C>T on transcript NM_004656.4 (MANE Select); coding-DNA position 736, C replaced by T.
Protein change: p.His246Tyr; replaces histidine 246 with tyrosine.
Molecular consequence: missense variant.
Genome position (GRCh38, 1-based): chr3:52,406,300, G>A on the plus strand (C>T on the coding strand, the complement: BAP1 is on the minus strand). VCF-style: chr3-52406300-G-A. GRCh37 (hg19) VCF-style: chr3-52440316-G-A.
Other names: c.682C>T, p.His228Tyr (NM_001410772.1); short protein forms H246Y, H228Y.
Identifiers: ClinVar variation 3260402 (VCV003260402.1).

ClinVar aggregate classification (germline): Uncertain significance (1 of 4 stars; one submission).

Conditions:
Hereditary cancer-predisposing syndrome. Also called: Hereditary Cancer Syndrome; Tumor predisposition; Hereditary neoplastic syndrome; Neoplastic Syndromes, Hereditary. Identifiers: Orphanet 140162, MedGen C0027672, MeSH D009386, MONDO:0015356.

Submission:

Ambry Genetics
Classification: Uncertain significance for Hereditary cancer-predisposing syndrome. Last evaluated: 2024-06-21. Review status: criteria provided, single submitter. Criteria: Ambry Variant Classification Scheme 2023. Collection method: clinical testing. Allele origin: germline.
Comment: The p.H246Y variant (also known as c.736C>T), located in coding exon 9 of the BAP1 gene, results from a C to T substitution at nucleotide position 736. The histidine at codon 246 is replaced by tyrosine, an amino acid with similar properties. This amino acid position is conserved. In addition, this alteration is predicted to be tolerated by in silico analysis. Based on the available evidence, the clinical significance of this variant remains unclear.